The following is an entry in ClinVar:

NM_201384.3(PLEC):c.5050G>A (p.Val1684Ile)

Gene: PLEC (plectin; minus strand). Cytogenetic location: 8q24.3.
Variant type: single nucleotide variant.
Coding change: c.5050G>A on transcript NM_201384.3 (MANE Select); coding-DNA position 5050, G replaced by A.
Protein change: p.Val1684Ile; replaces valine 1684 with isoleucine.
Molecular consequence: missense variant.
Genome position (GRCh38, 1-based): chr8:143,924,879, C>T on the plus strand (G>A on the coding strand, the complement: PLEC is on the minus strand). VCF-style: chr8-143924879-C-T. GRCh37 (hg19) VCF-style: chr8-144999047-C-T.
Other names: c.5131G>A, p.Val1711Ile (NM_000445.5); c.5008G>A, p.Val1670Ile (NM_201378.4); c.4984G>A, p.Val1662Ile (NM_201379.3); c.5461G>A, p.Val1821Ile (NM_201380.4); c.4954G>A, p.Val1652Ile (NM_201381.3); c.5050G>A, p.Val1684Ile (NM_201382.4); c.5062G>A, p.Val1688Ile (NM_201383.3); c.5131G>A (NM_000445.3); short protein forms V1652I, V1662I, V1670I, V1684I, V1688I, V1711I, V1821I.
Identifiers: ClinVar variation 500691 (VCV000500691.14), dbSNP rs760585494, ClinGen allele CA4926445.

ClinVar aggregate classification (germline): Uncertain significance. Review status: criteria provided, multiple submitters, no conflicts (2 of 4 stars). 4 submissions from 4 submitters: Uncertain significance (4). Last evaluated 2025-12-30.

Conditions:
Autosomal recessive limb-girdle muscular dystrophy type 2Q (LGMDR17). Also called: MUSCULAR DYSTROPHY, LIMB-GIRDLE, AUTOSOMAL RECESSIVE 17. Identifiers: Orphanet 254361, MedGen C3150989, MONDO:0013390, OMIM 613723.
Epidermolysis bullosa simplex 5B, with muscular dystrophy (EBS5B). Also called: EPIDERMOLYSIS BULLOSA SIMPLEX AND LIMB-GIRDLE MUSCULAR DYSTROPHY; Epidermolysis bullosa simplex with muscular dystrophy. Identifiers: Orphanet 257, MedGen C2931072, MONDO:0009181, OMIM 226670.
Epidermolysis bullosa simplex, Ogna type (EBS5A). Also called: Pidermolysis bullosa simplex 5A, Ogna type; EPIDERMOLYSIS BULLOSA SIMPLEX 5A, OGNA TYPE. Identifiers: Orphanet 79401, MedGen C0432317, MONDO:0007555, OMIM 131950.
Epidermolysis bullosa simplex with nail dystrophy (EBS5D). Identifiers: MedGen C4225309, MONDO:0014661, OMIM 616487.
Epidermolysis bullosa simplex 5C, with pyloric atresia (EBS5C). Also called: PLEC-Related Epidermolysis Bullosa with Pyloric Atresia; Epidermolysis bullosa simplex with pyloric atresia; PLEC1-Related Epidermolysis Bullosa with Pyloric Atresia. Identifiers: Orphanet 158684, MedGen C2677349, MONDO:0012807, OMIM 612138.
PLEC-related disorder. Also called: PLEC-related disorders; PLEC-related condition.

Allele frequency attached by ClinVar (database versions not stated): gnomAD 0.00005; gnomAD exomes 0.00007; TOPMed 0.00011; ExAC 0.00012.

Submissions (4):

PreventionGenetics, part of Exact Sciences
Classification: Uncertain significance for PLEC-related condition. Last evaluated: 2025-12-30. Review status: criteria provided, single submitter. Criteria: ACMG Guidelines, 2015. Collection method: clinical testing. Allele origin: germline.
Comment: The PLEC c.5131G>A variant is predicted to result in the amino acid substitution p.Val1711Ile. To our knowledge, this variant has not been reported in the literature. This variant is reported in 0.023% of alleles in individuals of Latino descent in gnomAD. At this time, the clinical significance of this variant is uncertain due to the absence of conclusive functional and genetic evidence.

Labcorp Genetics (formerly Invitae), Labcorp
Classification: Uncertain significance for Autosomal recessive limb-girdle muscular dystrophy type 2Q; Epidermolysis bullosa simplex, Ogna type; Epidermolysis bullosa simplex with nail dystrophy; Epidermolysis bullosa simplex 5C, with pyloric atresia; Epidermolysis bullosa simplex 5B, with muscular dystrophy. Last evaluated: 2025-10-09. Review status: criteria provided, single submitter. Criteria: Invitae Variant Classification Sherloc (09022015). Collection method: clinical testing. Allele origin: germline.
Comment: This sequence change replaces valine, which is neutral and non-polar, with isoleucine, which is neutral and non-polar, at codon 1711 of the PLEC protein (p.Val1711Ile). This variant is present in population databases (rs760585494, gnomAD 0.02%). This variant has not been reported in the literature in individuals affected with PLEC-related conditions. ClinVar contains an entry for this variant (Variation ID: 500691). Invitae Evidence Modeling of protein sequence and biophysical properties (such as structural, functional, and spatial information, amino acid conservation, physicochemical variation, residue mobility, and thermodynamic stability) indicates that this missense variant is not expected to disrupt PLEC protein function with a negative predictive value of 80%. In summary, the available evidence is currently insufficient to determine the role of this variant in disease. Therefore, it has been classified as a Variant of Uncertain Significance.

Revvity Omics, Revvity
Classification: Uncertain significance. Last evaluated: 2020-06-05. Review status: criteria provided, single submitter. Criteria: ACMG Guidelines, 2015. Collection method: clinical testing. Allele origin: germline.

Eurofins Ntd Llc (ga)
Classification: Uncertain significance. Last evaluated: 2017-03-03. Review status: criteria provided, single submitter. Criteria: EGL Classification Definitions 2015. Collection method: clinical testing. Allele origin: germline. Observed: 1 variant allele, 1 heterozygote.